The following is an entry in ClinVar:

NM_025103.4(IFT74):c.121A>G (p.Met41Val)

Gene: IFT74 (intraflagellar transport 74; plus strand). Cytogenetic location: 9p21.2.
Variant type: single nucleotide variant.
Coding change: c.121A>G on transcript NM_025103.4 (MANE Select); coding-DNA position 121, A replaced by G.
Protein change: p.Met41Val; replaces methionine 41 with valine.
Molecular consequence: missense variant.
Genome position (GRCh38, 1-based): chr9:26,978,128, A>G. VCF-style: chr9-26978128-A-G. GRCh37 (hg19) VCF-style: chr9-26978126-A-G.
Other names: c.121A>G, p.Met41Val (NM_001099222.3, NM_001099223.3, NM_001099224.3 and 1 more transcripts); short protein forms M41V.
Identifiers: ClinVar variation 3344775 (VCV003344775.1).

ClinVar aggregate classification (germline): Uncertain significance (0 of 4 stars; one submission).

Conditions:
IFT74-related disorder. Also called: IFT74-related condition; IFT74-Related Disorders.

Submission:

PreventionGenetics, part of Exact Sciences
Classification: Uncertain significance for IFT74-related condition. Last evaluated: 2024-09-25. Review status: no assertion criteria provided. Collection method: clinical testing. Allele origin: germline.
Comment: The IFT74 c.121A>G variant is predicted to result in the amino acid substitution p.Met41Val. To our knowledge, this variant has not been reported in the literature or in a large population database, indicating this variant is rare. At this time, the clinical significance of this variant is uncertain due to the absence of conclusive functional and genetic evidence.